The following is an entry in ClinVar:

ClinVar aggregate classification (germline): Likely pathogenic (1 of 4 stars; one submission).

Conditions:
Charcot-Marie-Tooth disease type 4D. Also called: CHARCOT-MARIE-TOOTH DISEASE, DEMYELINATING, TYPE 4D; CHARCOT-MARIE-TOOTH DISEASE, DEMYELINATING, AUTOSOMAL RECESSIVE, TYPE 4D; NEUROPATHY, HEREDITARY MOTOR AND SENSORY, LOM TYPE; Charcot-Marie-Tooth Neuropathy Type 4D. Identifiers: Orphanet 99950, MedGen C1832334, MONDO:0011085, OMIM 601455.

Submission:

Natera, Inc.
Classification: Likely pathogenic for Charcot-Marie-Tooth disease type 4D. Last evaluated: 2025-03-03. Review status: criteria provided, single submitter. Criteria: Natera Variant Classification Schema (03/2026). Collection method: clinical testing. Allele origin: germline.
Comment: The c.1058delG variant in NDRG1 is a frameshift variant predicted to elongate the protein beyond the termination codon. This variant is expected to result in nonsense mediated decay, truncation, or a dysfunctional protein product. This variant is rare in the general population with a frequency below the threshold expected for the associated phenotype(s). Given the available evidence, this variant is classified as Likely Pathogenic.

NM_006096.4(NDRG1):c.1058del (p.Arg353fs)

Gene: NDRG1 (N-myc downstream regulated 1; minus strand). Cytogenetic location: 8q24.22.
Variant type: Deletion.
Coding change: c.1058del on transcript NM_006096.4 (MANE Select); coding-DNA position 1058, one base deleted (G; older notation c.1058delG).
Protein change: p.Arg353fs; shifts the reading frame from arginine 353.
Molecular consequence: frameshift variant.
Genome position (GRCh38, 1-based): chr8:133,239,005, C deleted on the plus strand (G on the coding strand, the reverse complement: NDRG1 is on the minus strand). VCF-style (leftmost placement, unchanged base first): chr8-133239004-GC-G. GRCh37 (hg19) VCF-style: chr8-134251247-GC-G.
Other names: c.1058del, p.Arg353fs (NM_001135242.2, NM_001374845.1, NM_001374846.1); c.860del, p.Arg287fs (NM_001258432.2, NM_001374847.1); c.815del, p.Arg272fs (NM_001258433.2); c.1109del, p.Arg370fs (NM_001374844.1); short protein forms R272fs, R287fs, R353fs, R370fs.
Identifiers: ClinVar variation 4815491 (VCV004815491.1).